The following is an entry in ClinVar:

ClinVar aggregate classification (germline): Uncertain significance (1 of 4 stars; one submission).

Submission:

GeneDx
Classification: Uncertain significance. Last evaluated: 2022-12-02. Review status: criteria provided, single submitter. Criteria: GeneDx Variant Classification Process June 2021. Collection method: clinical testing. Allele origin: germline. Affected: yes.
Comment: Not observed at significant frequency in large population cohorts (gnomAD); In silico analysis supports that this missense variant has a deleterious effect on protein structure/function; Has not been previously published as pathogenic or benign to our knowledge

NM_001348323.3(TRIP12):c.4787T>A (p.Val1596Glu)

Gene: TRIP12 (thyroid hormone receptor interactor 12; minus strand). Cytogenetic location: 2q36.3.
Variant type: single nucleotide variant.
Coding change: c.4787T>A on transcript NM_001348323.3 (MANE Select); coding-DNA position 4787, T replaced by A.
Protein change: p.Val1596Glu; replaces valine 1596 with glutamic acid.
Molecular consequence: missense variant.
Genome position (GRCh38, 1-based): chr2:229,788,849, A>T on the plus strand (T>A on the coding strand, the complement: TRIP12 is on the minus strand). VCF-style: chr2-229788849-A-T. GRCh37 (hg19) VCF-style: chr2-230653565-A-T.
Other names: c.4706T>A, p.Val1569Glu (NM_001284214.2, NM_001348315.2); c.4661T>A, p.Val1554Glu (NM_001284215.2, NM_001348316.2); c.3752T>A, p.Val1251Glu (NM_001284216.2); c.4646T>A, p.Val1549Glu (NM_001348317.1, NM_001348318.2); c.4772T>A, p.Val1591Glu (NM_001348319.1, NM_001348320.2); c.4775T>A, p.Val1592Glu (NM_001348321.1); c.4787T>A, p.Val1596Glu (NM_001348322.1, NM_001348324.2, NM_001348325.2 and 2 more transcripts); c.4790T>A, p.Val1597Glu (NM_001348328.1, NM_001348329.2, NM_001348330.2); and 4 more; short protein forms V1251E, V1521E, V1522E, V1549E, V1554E, V1562E, V1569E, V1570E.
Identifiers: ClinVar variation 2504827 (VCV002504827.1), dbSNP rs2470983448, ClinGen allele CA350893735.